The following is an entry in ClinVar:

ClinVar aggregate classification (germline): Benign/Likely benign. Review status: criteria provided, multiple submitters, no conflicts (2 of 4 stars). 7 submissions from 7 submitters: Benign (2); Likely benign (4). 1 of the submissions does not count toward it. Last evaluated 2026-09-01.

Conditions:
CAD-related disorder. Also called: CAD-related condition.
Developmental and epileptic encephalopathy, 50 (DEE50). Also called: Epileptic encephalopathy, early infantile, 50. Identifiers: Orphanet 448010, MedGen C4225320, MONDO:0014647, OMIM 616457.

Allele frequency attached by ClinVar (database versions not stated): 1000 Genomes Project 30x 0.00312; 1000 Genomes Project 0.00339; ExAC 0.00535; gnomAD exomes 0.00543 and 0.00937; TOPMed 0.00549; gnomAD 0.00561 and 0.00570; ESP Exome Variant Server 0.00607.
gnomAD v4.1: 14,412 of 1,614,172 alleles (0.89%); highest among the groups gnomAD compares: Non-Finnish European, 1.1%; 85 homozygotes.

Submissions (7):

CeGaT Center for Human Genetics Tuebingen
Classification: Benign. Last evaluated: 2026-09-01. Review status: criteria provided, single submitter. Criteria: CeGaT Center For Human Genetics Tuebingen Variant Classification Criteria Version 2. Collection method: clinical testing. Allele origin: germline. Affected: yes. Observed: 45 variant alleles.
Comment: CAD: BS1, BS2

Labcorp Genetics (formerly Invitae), Labcorp
Classification: Likely benign. Last evaluated: 2026-02-04. Review status: criteria provided, single submitter. Criteria: Invitae Variant Classification Sherloc (09022015). Collection method: clinical testing. Allele origin: germline.

ARUP Laboratories, Molecular Genetics and Genomics, ARUP Laboratories
Classification: Likely benign for Developmental and epileptic encephalopathy, 50. Last evaluated: 2025-03-26. Review status: criteria provided, single submitter. Criteria: ARUP Molecular Germline Variant Investigation Process 2024. Collection method: clinical testing. Allele origin: germline.

Mayo Clinic Laboratories, Mayo Clinic
Classification: Benign. Last evaluated: 2023-02-21. Review status: criteria provided, single submitter. Criteria: ACMG Guidelines, 2015. Collection method: clinical testing. Allele origin: germline. Observed: 6 variant alleles.
Comment: BS1, BS2

Center for Pediatric Genomic Medicine, Children's Mercy Hospital and Clinics
Classification: Likely benign. Last evaluated: 2016-09-29. Review status: criteria provided, single submitter. Criteria: ACMG Guidelines, 2015. Collection method: clinical testing. Allele origin: germline.
ClinVar note: Converted during submission from Likely Benign to Likely benign.

Breakthrough Genomics
Classification: Likely benign. Review status: criteria provided, single submitter. Criteria: ACMG Guidelines, 2015. Collection method: not provided. Allele origin: germline. Inheritance: Autosomal recessive inheritance. Affected: yes.

PreventionGenetics, part of Exact Sciences
Classification: Benign for CAD-related condition. Last evaluated: 2021-02-11. Review status: no assertion criteria provided. Collection method: clinical testing. Allele origin: germline. Not counted in ClinVar's aggregate classification.
Comment: This variant is classified as benign based on ACMG/AMP sequence variant interpretation guidelines (Richards et al. 2015 PMID: 25741868, with internal and published modifications).

NM_004341.5(CAD):c.6343G>C (p.Val2115Leu)

Genes: CAD (carbamoyl-phosphate synthetase 2, aspartate transcarbamylase, and dihydroorotase; plus strand), LOC126806172 (CDK7 strongly-dependent group 2 enhancer GRCh37_chr2:27465505-27466704; plus strand). Cytogenetic location: 2p23.3.
Variant type: single nucleotide variant.
Coding change: c.6343G>C on transcript NM_004341.5 (MANE Select); coding-DNA position 6343, G replaced by C.
Protein change: p.Val2115Leu; replaces valine 2115 with leucine.
Molecular consequence: missense variant.
Genome position (GRCh38, 1-based): chr2:27,242,740, G>C. VCF-style: chr2-27242740-G-C. GRCh37 (hg19) VCF-style: chr2-27465608-G-C.
Other names: p.Val2115Leu; c.6154G>C, p.Val2052Leu (NM_001306079.2); short protein forms V2115L, V2052L.
Identifiers: ClinVar variation 377271 (VCV000377271.59), dbSNP rs61737365, ClinGen allele CA1574173.
Genomic context (GRCh38, chr2:27,242,740, plus strand): 5'-ACCCAGTATCGTGTCAGCCTGCGCTACGTGGCACCTCCCAGCCTGCGCATGCCACCCACT[G>C]TGCGGGCCTTCGTGGCCTCCCGCGGCACCAAGCAGGTGAGACCCTCACAGCCCTGCCTGG-3'
Protein context (NP_004332.2, residues 2105-2125): APPSLRMPPT[Val2115Leu]RAFVASRGTK